The following is an entry in ClinVar:

NM_001378454.1(ALMS1):c.1853C>T (p.Thr618Ile)

Gene: ALMS1 (ALMS1 centrosome and basal body associated protein; plus strand). Cytogenetic location: 2p13.1.
Variant type: single nucleotide variant.
Coding change: c.1853C>T on transcript NM_001378454.1 (MANE Select); coding-DNA position 1853, C replaced by T.
Protein change: p.Thr618Ile; replaces threonine 618 with isoleucine.
Molecular consequence: missense variant.
Genome position (GRCh38, 1-based): chr2:73,448,380, C>T. VCF-style: chr2-73448380-C-T. GRCh37 (hg19) VCF-style: chr2-73675507-C-T.
Other names: c.1856C>T, p.Thr619Ile (NM_015120.4); short protein forms T618I, T619I.
Identifiers: ClinVar variation 4782227 (VCV004782227.1).
Genomic context (GRCh38, chr2:73,448,380, plus strand): 5'-CTTTGAAAGTTTCAGCTGCTCCTGGACTAGCTGACCAGACAACTGGCATGTCAACTCTAA[C>T]CTCTACTTCCTACTCACATAGAGAGAAGCCTGGTACTTTTTACCAACAAGAGTTACCAGA-3'
Protein context (NP_001365383.1, residues 608-628): ADQTTGMSTL[Thr618Ile]STSYSHREKP

ClinVar aggregate classification (germline): Uncertain significance (1 of 4 stars; one submission).

Conditions:
Alstrom syndrome (ALMS). Identifiers: Orphanet 64, MedGen C0268425, MONDO:0008763, OMIM 203800.

gnomAD v4.1: 2 of 1,613,994 alleles (0.00012%); highest among the groups gnomAD compares: Non-Finnish European, 0.00017%; no homozygotes.

Submission:

Labcorp Genetics (formerly Invitae), Labcorp
Classification: Uncertain significance for Alstrom syndrome. Last evaluated: 2025-08-30. Review status: criteria provided, single submitter. Criteria: Invitae Variant Classification Sherloc (09022015). Collection method: clinical testing. Allele origin: germline.
Comment: This sequence change replaces threonine, which is neutral and polar, with isoleucine, which is neutral and non-polar, at codon 619 of the ALMS1 protein (p.Thr619Ile). This variant is not present in population databases (gnomAD no frequency). This variant has not been reported in the literature in individuals affected with ALMS1-related conditions. Experimental studies and prediction algorithms are not available or were not evaluated, and the functional significance of this variant is currently unknown. In summary, the available evidence is currently insufficient to determine the role of this variant in disease. Therefore, it has been classified as a Variant of Uncertain Significance.